The following is an entry in ClinVar:

ClinVar aggregate classification (germline): Conflicting classifications of pathogenicity. Review status: criteria provided, conflicting classifications (1 of 4 stars). 4 submissions from 4 submitters: Uncertain significance (1); Benign (1); Likely benign (2). Last evaluated 2025-09-23.

Conditions:
Kabuki syndrome. Also called: NIIKAWA-KUROKI SYNDROME; Kabuki make-up syndrome. Identifiers: Orphanet 2322, MedGen C0796004, MONDO:0016512.

Allele frequency attached by ClinVar (database versions not stated): gnomAD exomes 0.00001 and 0.00002; TOPMed 0.00001; gnomAD 0.00002 and 0.00003.
gnomAD v4.1: 19 of 1,550,086 alleles (0.0012%); highest among the groups gnomAD compares: Middle Eastern, 0.02%; no homozygotes.

Submissions (4):

Labcorp Genetics (formerly Invitae), Labcorp
Classification: Benign for Kabuki syndrome. Last evaluated: 2025-09-23. Review status: criteria provided, single submitter. Criteria: Invitae Variant Classification Sherloc (09022015). Collection method: clinical testing. Allele origin: germline.

Women's Health and Genetics/Laboratory Corporation of America, LabCorp
Classification: Uncertain significance. Last evaluated: 2025-04-03. Review status: criteria provided, single submitter. Criteria: LabCorp Variant Classification Summary - May 2015. Collection method: clinical testing. Allele origin: germline.
Comment: Variant summary: KMT2D c.11794C>G (p.Gln3932Glu) results in a conservative amino acid change in the encoded protein sequence. Four of five in-silico tools predict a benign effect of the variant on protein function. The variant allele was found at a frequency of 1.9e-05 in 154542 control chromosomes. The available data on variant occurrences in the general population are insufficient to allow any conclusion about variant significance. c.11794C>G has been reported in the literature in an individual affected with Kabuki Syndrome 1 (Micale_2014). This report does not provide unequivocal conclusions about association of the variant with Kabuki Syndrome 1. To our knowledge, no experimental evidence demonstrating an impact on protein function has been reported. The following publication has been ascertained in the context of this evaluation (PMID: 24633898). ClinVar contains an entry for this variant (Variation ID: 1169166). Based on the evidence outlined above, the variant was classified as uncertain significance.

CeGaT Center for Human Genetics Tuebingen
Classification: Likely benign. Last evaluated: 2024-05-01. Review status: criteria provided, single submitter. Criteria: CeGaT Center For Human Genetics Tuebingen Variant Classification Criteria Version 2. Collection method: clinical testing. Allele origin: germline. Affected: yes. Observed: 1 variant allele.
Comment: KMT2D: BP4

GeneDx
Classification: Likely benign. Last evaluated: 2020-07-06. Review status: criteria provided, single submitter. Criteria: GeneDx Variant Classification Process June 2021. Collection method: clinical testing. Allele origin: germline. Affected: yes.
Comment: This variant is associated with the following publications: (PMID: 30459467, 24633898, 30107592)

Literature cited by the submitters: PubMed 24633898 (cited by Women's Health and Genetics/Laboratory Corporation of America, LabCorp).

NM_003482.4(KMT2D):c.11794C>G (p.Gln3932Glu)

Gene: KMT2D (lysine methyltransferase 2D; minus strand). Cytogenetic location: 12q13.12.
Variant type: single nucleotide variant.
Coding change: c.11794C>G on transcript NM_003482.4 (MANE Select); coding-DNA position 11794, C replaced by G.
Protein change: p.Gln3932Glu; replaces glutamine 3932 with glutamic acid.
Molecular consequence: missense variant.
Genome position (GRCh38, 1-based): chr12:49,032,911, G>C on the plus strand (C>G on the coding strand, the complement: KMT2D is on the minus strand). VCF-style: chr12-49032911-G-C. GRCh37 (hg19) VCF-style: chr12-49426694-G-C.
Other names: short protein forms Q3932E.
Identifiers: ClinVar variation 1169166 (VCV001169166.34), dbSNP rs958331584, ClinGen allele CA236639932.